The following is an entry in ClinVar:

NM_001042492.3(NF1):c.4041C>G (p.Phe1347Leu)

Gene: NF1 (neurofibromin 1; plus strand). Cytogenetic location: 17q11.2.
Variant type: single nucleotide variant.
Coding change: c.4041C>G on transcript NM_001042492.3 (MANE Select); coding-DNA position 4041, C replaced by G.
Protein change: p.Phe1347Leu; replaces phenylalanine 1347 with leucine.
Molecular consequence: missense variant.
Genome position (GRCh38, 1-based): chr17:31,249,050, C>G. VCF-style: chr17-31249050-C-G. GRCh37 (hg19) VCF-style: chr17-29576068-C-G.
Other names: c.4041C>G, p.Phe1347Leu (NM_000267.4); short protein forms F1347L.
Identifiers: ClinVar variation 3404783 (VCV003404783.3).

ClinVar aggregate classification (germline): Uncertain significance. Review status: criteria provided, multiple submitters, no conflicts (2 of 4 stars). 2 submissions from 2 submitters: Uncertain significance (2). Last evaluated 2024-10-09.

Conditions:
Neurofibromatosis, type 1 (NF1). Also called: NEUROFIBROMATOSIS, TYPE I, SOMATIC; Neurofibromatosis, type I; Peripheral type neurofibromatosis; VON RECKLINGHAUSEN DISEASE. Identifiers: Orphanet 636, MedGen C0027831, MONDO:0018975, OMIM 162200. Disease mechanism: loss of function.
Hereditary cancer-predisposing syndrome. Also called: Hereditary Cancer Syndrome; Hereditary neoplastic syndrome; Neoplastic Syndromes, Hereditary; Tumor predisposition. Identifiers: Orphanet 140162, MedGen C0027672, MeSH D009386, MONDO:0015356.
Cardiovascular phenotype. Identifiers: MedGen CN230736.

Submissions (2):

Ambry Genetics
Classification: Uncertain significance for Cardiovascular phenotype; Hereditary cancer-predisposing syndrome. Last evaluated: 2024-10-09. Review status: criteria provided, single submitter. Criteria: Ambry Variant Classification Scheme 2023. Collection method: clinical testing. Allele origin: germline.
Comment: The p.F1347L variant (also known as c.4041C>G), located in coding exon 30 of the NF1 gene, results from a C to G substitution at nucleotide position 4041. The phenylalanine at codon 1347 is replaced by leucine, an amino acid with highly similar properties. This amino acid position is highly conserved in available vertebrate species. In addition, this alteration is predicted to be deleterious by in silico analysis. Based on the available evidence, the clinical significance of this variant remains unclear.

Labcorp Genetics (formerly Invitae), Labcorp
Classification: Uncertain significance for Neurofibromatosis, type 1. Last evaluated: 2024-07-16. Review status: criteria provided, single submitter. Criteria: Invitae Variant Classification Sherloc (09022015). Collection method: clinical testing. Allele origin: germline.
Comment: This sequence change replaces phenylalanine, which is neutral and non-polar, with leucine, which is neutral and non-polar, at codon 1347 of the NF1 protein (p.Phe1347Leu). This variant is not present in population databases (gnomAD no frequency). This variant has not been reported in the literature in individuals affected with NF1-related conditions. Advanced modeling of protein sequence and biophysical properties (such as structural, functional, and spatial information, amino acid conservation, physicochemical variation, residue mobility, and thermodynamic stability) performed at Invitae indicates that this missense variant is not expected to disrupt NF1 protein function with a negative predictive value of 95%. In summary, the available evidence is currently insufficient to determine the role of this variant in disease. Therefore, it has been classified as a Variant of Uncertain Significance.